The following is an entry in ClinVar:

ClinVar aggregate classification (germline): Uncertain significance (1 of 4 stars; one submission).

Conditions:
Intellectual developmental disorder, X-linked 1. Also called: Atkin Flaitz Patil Smith syndrome; Intellectual disability, X-linked 1; MENTAL RETARDATION, X-LINKED 18; MENTAL RETARDATION, X-LINKED 78. Identifiers: Orphanet 777, MedGen C2931498, MONDO:0010656, OMIM 309530.

Submission:

Labcorp Genetics (formerly Invitae), Labcorp
Classification: Uncertain significance for Intellectual developmental disorder, X-linked 1. Last evaluated: 2024-01-07. Review status: criteria provided, single submitter. Criteria: Invitae Variant Classification Sherloc (09022015). Collection method: clinical testing. Allele origin: germline.
Comment: This sequence change replaces proline, which is neutral and non-polar, with arginine, which is basic and polar, at codon 1186 of the IQSEC2 protein (p.Pro1186Arg). This variant is not present in population databases (gnomAD no frequency). This variant has not been reported in the literature in individuals affected with IQSEC2-related conditions. Advanced modeling of protein sequence and biophysical properties (such as structural, functional, and spatial information, amino acid conservation, physicochemical variation, residue mobility, and thermodynamic stability) performed at Invitae indicates that this missense variant is not expected to disrupt IQSEC2 protein function with a negative predictive value of 95%. In summary, the available evidence is currently insufficient to determine the role of this variant in disease. Therefore, it has been classified as a Variant of Uncertain Significance.

NM_001111125.3(IQSEC2):c.3557C>G (p.Pro1186Arg)

Gene: IQSEC2 (IQ motif and Sec7 domain ArfGEF 2; minus strand). Cytogenetic location: Xp11.22.
Variant type: single nucleotide variant.
Coding change: c.3557C>G on transcript NM_001111125.3 (MANE Select); coding-DNA position 3557, C replaced by G.
Protein change: p.Pro1186Arg; replaces proline 1186 with arginine.
Molecular consequence: missense variant. On other transcripts: 3 prime UTR variant (2).
Genome position (GRCh38, 1-based): chrX:53,235,129, G>C on the plus strand (C>G on the coding strand, the complement: IQSEC2 is on the minus strand). VCF-style: chrX-53235129-G-C. GRCh37 (hg19) VCF-style: chrX-53264311-G-C.
Other names: c.*42C>G (NM_001410736.1, NM_015075.2); short protein forms P1186R.
Identifiers: ClinVar variation 2788737 (VCV002788737.3), dbSNP rs2519675881, ClinGen allele CA413142460.